The following is an entry in ClinVar:

ClinVar aggregate classification (germline): Likely benign. Review status: criteria provided, single submitter (1 of 4 stars). 2 submissions from 2 submitters: Likely benign (1). 1 of the submissions does not count toward it. Last evaluated 2024-07-27.

Conditions:
IFT172-related disorder. Also called: IFT172-related disorders; IFT172-related condition.
Short-rib thoracic dysplasia 10 with or without polydactyly (SRTD10). Identifiers: Orphanet 474, MedGen C3810175, MONDO:0014284, OMIM 615630.
Retinitis pigmentosa 71 (RP71). Identifiers: Orphanet 791, MedGen C4225342, MONDO:0014618, OMIM 616394.

gnomAD v4.1: 4 of 1,607,048 alleles (0.00025%); highest among the groups gnomAD compares: Admixed American, 0.0033%; no homozygotes.

Submissions (2):

Labcorp Genetics (formerly Invitae), Labcorp
Classification: Likely benign for Retinitis pigmentosa 71; Short-rib thoracic dysplasia 10 with or without polydactyly. Last evaluated: 2024-07-27. Review status: criteria provided, single submitter. Criteria: Invitae Variant Classification Sherloc (09022015). Collection method: clinical testing. Allele origin: germline.

PreventionGenetics, part of Exact Sciences
Classification: Likely benign for IFT172-related condition. Last evaluated: 2024-02-21. Review status: no assertion criteria provided. Collection method: clinical testing. Allele origin: germline. Not counted in ClinVar's aggregate classification.
Comment: This variant is classified as likely benign based on ACMG/AMP sequence variant interpretation guidelines (Richards et al. 2015 PMID: 25741868, with internal and published modifications).

NM_015662.3(IFT172):c.1326-9A>G

Gene: IFT172 (intraflagellar transport 172; minus strand). Cytogenetic location: 2p23.3.
Variant type: single nucleotide variant.
Coding change: c.1326-9A>G on transcript NM_015662.3 (MANE Select); 9 bases into the intron before coding-DNA position 1326, A replaced by G.
Molecular consequence: intron variant.
Genome position (GRCh38, 1-based): chr2:27,476,735, T>C on the plus strand (A>G on the coding strand, the complement: IFT172 is on the minus strand). VCF-style: chr2-27476735-T-C. GRCh37 (hg19) VCF-style: chr2-27699602-T-C.
Other names: c.1326-9A>G (NM_001410739.1).
Identifiers: ClinVar variation 3349769 (VCV003349769.3).